The following is an entry in ClinVar:

NM_000217.3(KCNA1):c.932G>A (p.Gly311Asp)

Gene: KCNA1 (potassium voltage-gated channel subfamily A member 1; plus strand). Cytogenetic location: 12p13.32.
Variant type: single nucleotide variant.
Coding change: c.932G>A on transcript NM_000217.3 (MANE Select); coding-DNA position 932, G replaced by A.
Protein change: p.Gly311Asp; replaces glycine 311 with aspartic acid.
Molecular consequence: missense variant.
Genome position (GRCh38, 1-based): chr12:4,912,310, G>A. VCF-style: chr12-4912310-G-A. GRCh37 (hg19) VCF-style: chr12-5021476-G-A.
Other names: short protein forms G311D.
Identifiers: ClinVar variation 3340603 (VCV003340603.2).

ClinVar aggregate classification (germline): Pathogenic (1 of 4 stars; one submission).

Submission:

GeneDx
Classification: Pathogenic. Last evaluated: 2025-08-10. Review status: criteria provided, single submitter. Criteria: GeneDx Variant Classification Process June 2021. Collection method: clinical testing. Allele origin: germline.
Comment: Published functional studies demonstrate G311D significantly reduced current amplitudes and damages the function of the potassium channel (PMID: 30140249); In silico analysis supports that this missense variant has a deleterious effect on protein structure/function; Not observed at significant frequency in large population cohorts (gnomAD); This variant is associated with the following publications: (PMID: 32217768, Manville2023[article], 30140249)